The following is an entry in ClinVar:

ClinVar aggregate classification (germline): Uncertain significance (1 of 4 stars; one submission).

Allele frequency attached by ClinVar (database versions not stated): gnomAD exomes below 0.00001; ExAC 0.00001; gnomAD 0.00001; 1000 Genomes Project 30x 0.00016; 1000 Genomes Project 0.00020.

Submission:

Labcorp Genetics (formerly Invitae), Labcorp
Classification: Uncertain significance. Last evaluated: 2023-10-10. Review status: criteria provided, single submitter. Criteria: Invitae Variant Classification Sherloc (09022015). Collection method: clinical testing. Allele origin: germline.
Comment: This sequence change replaces threonine, which is neutral and polar, with serine, which is neutral and polar, at codon 238 of the KIF2A protein (p.Thr238Ser). This variant is present in population databases (rs561322134, gnomAD 0.007%). This variant has not been reported in the literature in individuals affected with KIF2A-related conditions. An algorithm developed to predict the effect of missense changes on protein structure and function (PolyPhen-2) suggests that this variant is likely to be tolerated. In summary, the available evidence is currently insufficient to determine the role of this variant in disease. Therefore, it has been classified as a Variant of Uncertain Significance.

NM_001098511.3(KIF2A):c.713C>G (p.Thr238Ser)

Gene: KIF2A (kinesin family member 2A; plus strand). Cytogenetic location: 5q12.1.
Variant type: single nucleotide variant.
Coding change: c.713C>G on transcript NM_001098511.3 (MANE Select); coding-DNA position 713, C replaced by G.
Protein change: p.Thr238Ser; replaces threonine 238 with serine.
Molecular consequence: missense variant.
Genome position (GRCh38, 1-based): chr5:62,358,140, C>G. VCF-style: chr5-62358140-C-G. GRCh37 (hg19) VCF-style: chr5-61653967-C-G.
Other names: c.632C>G, p.Thr211Ser (NM_001243952.2); c.656C>G, p.Thr219Ser (NM_001243953.2); c.713C>G, p.Thr238Ser (NM_004520.5); short protein forms T238S, T211S, T219S.
Identifiers: ClinVar variation 2835578 (VCV002835578.3), dbSNP rs561322134, ClinGen allele CA3278860.
Genomic context (GRCh38, chr5:62,358,140, plus strand): 5'-ACATGAACTCAAATGCTGTGAAAATTATTGGGCATTGATTTTCATTTATTCTTTTAGAAA[C>G]TCAAATGAAAGATCTTGATGTAATCACAATTCCTAGTAAAGATGTTGTGATGGTACATGA-3'
Protein context (NP_001091981.1, residues 228-248): VRKRPLNKKE[Thr238Ser]QMKDLDVITI